The following is an entry in ClinVar:

ClinVar aggregate classification (germline): Uncertain significance. Review status: criteria provided, multiple submitters, no conflicts (2 of 4 stars). 3 submissions from 3 submitters: Uncertain significance (3). Last evaluated 2022-12-15.

Conditions:
Hereditary cancer-predisposing syndrome. Also called: Hereditary Cancer Syndrome; Neoplastic Syndromes, Hereditary; Tumor predisposition; Hereditary neoplastic syndrome. Identifiers: Orphanet 140162, MedGen C0027672, MeSH D009386, MONDO:0015356.
Neurofibromatosis, type 1 (NF1). Also called: Neurofibromatosis, type I; VON RECKLINGHAUSEN DISEASE; NEUROFIBROMATOSIS, TYPE I, SOMATIC; Peripheral type neurofibromatosis. Identifiers: Orphanet 636, MedGen C0027831, MONDO:0018975, OMIM 162200. Disease mechanism: loss of function.

Submissions (3):

Labcorp Genetics (formerly Invitae), Labcorp
Classification: Uncertain significance for Neurofibromatosis, type 1. Last evaluated: 2022-12-15. Review status: criteria provided, single submitter. Criteria: Invitae Variant Classification Sherloc (09022015). Collection method: clinical testing. Allele origin: germline.
Comment: In summary, the available evidence is currently insufficient to determine the role of this variant in disease. Therefore, it has been classified as a Variant of Uncertain Significance. Algorithms developed to predict the effect of missense changes on protein structure and function are either unavailable or do not agree on the potential impact of this missense change (SIFT: "Tolerated"; PolyPhen-2: "Probably Damaging"; Align-GVGD: "Class C0"). ClinVar contains an entry for this variant (Variation ID: 232944). This variant has not been reported in the literature in individuals affected with NF1-related conditions. This variant is not present in population databases (gnomAD no frequency). This sequence change replaces asparagine, which is neutral and polar, with serine, which is neutral and polar, at codon 510 of the NF1 protein (p.Asn510Ser).

Genome-Nilou Lab
Classification: Uncertain significance for Neurofibromatosis, type 1. Last evaluated: 2022-03-15. Review status: criteria provided, single submitter. Criteria: ACMG Guidelines, 2015. Collection method: clinical testing. Allele origin: germline. Affected: no.

Ambry Genetics
Classification: Uncertain significance for Hereditary cancer-predisposing syndrome. Last evaluated: 2015-07-16. Review status: criteria provided, single submitter. Criteria: Ambry Autosomal Dominant and X-Linked criteria (10/2015). Collection method: clinical testing. Allele origin: germline. Observed: 1 variant allele.
Comment: The p.N510S variant (also known as c.1529A>G), located in coding exon 14 of the NF1 gene, results from an A to G substitution at nucleotide position 1529. The asparagine at codon 510 is replaced by serine, an amino acid with highly similar properties. This variant was not reported in population based cohorts in the following databases: Database of Single Nucleotide Polymorphisms (dbSNP), NHLBI Exome Sequencing Project (ESP), and 1000 Genomes Project. In the ESP, this variant was not observed in 6503 samples (13006 alleles) with coverage at this position. To date, this alteration has been detected with an allele frequency of approximately 0.002% (greater than 55,000alleles tested) in our clinical cohort.This amino acid position is highly conserved in available vertebrate species. In addition, this alteration is predicted to be tolerated by in silico analysis.Since supporting evidence is limited at this time, the clinical significance of p.N510S remains unclear.

NM_001042492.3(NF1):c.1529A>G (p.Asn510Ser)

Gene: NF1 (neurofibromin 1; plus strand). Cytogenetic location: 17q11.2.
Variant type: single nucleotide variant.
Coding change: c.1529A>G on transcript NM_001042492.3 (MANE Select); coding-DNA position 1529, A replaced by G.
Protein change: p.Asn510Ser; replaces asparagine 510 with serine.
Molecular consequence: missense variant.
Genome position (GRCh38, 1-based): chr17:31,219,006, A>G. VCF-style: chr17-31219006-A-G. GRCh37 (hg19) VCF-style: chr17-29546024-A-G.
Other names: c.1529A>G, p.Asn510Ser (NM_000267.4, NM_001128147.3); short protein forms N510S.
Identifiers: ClinVar variation 232944 (VCV000232944.11), dbSNP rs876660091, ClinGen allele CA10580224.